The following is an entry in ClinVar:

ClinVar aggregate classification (germline): Uncertain significance (1 of 4 stars; one submission).

Conditions:
Autosomal recessive severe congenital neutropenia due to CSF3R deficiency. Also called: Neutropenia, severe congenital, 7, autosomal recessive. Identifiers: Orphanet 420702, MedGen C4310764, MONDO:0014865, OMIM 617014.

gnomAD v4.1: 1 of 1,614,168 alleles (0.000062%); highest among the groups gnomAD compares: Non-Finnish European, 0.000085%; no homozygotes.

Submission:

Labcorp Genetics (formerly Invitae), Labcorp
Classification: Uncertain significance for Autosomal recessive severe congenital neutropenia due to CSF3R deficiency. Last evaluated: 2024-05-28. Review status: criteria provided, single submitter. Criteria: Invitae Variant Classification Sherloc (09022015). Collection method: clinical testing. Allele origin: germline.
Comment: This sequence change replaces proline, which is neutral and non-polar, with threonine, which is neutral and polar, at codon 451 of the CSF3R protein (p.Pro451Thr). This variant is not present in population databases (gnomAD no frequency). This variant has not been reported in the literature in individuals affected with CSF3R-related conditions. Advanced modeling of protein sequence and biophysical properties (such as structural, functional, and spatial information, amino acid conservation, physicochemical variation, residue mobility, and thermodynamic stability) performed at Invitae indicates that this missense variant is not expected to disrupt CSF3R protein function with a negative predictive value of 80%. In summary, the available evidence is currently insufficient to determine the role of this variant in disease. Therefore, it has been classified as a Variant of Uncertain Significance.

NM_000760.4(CSF3R):c.1351C>A (p.Pro451Thr)

Gene: CSF3R (colony stimulating factor 3 receptor; minus strand). Cytogenetic location: 1p34.3.
Variant type: single nucleotide variant.
Coding change: c.1351C>A on transcript NM_000760.4 (MANE Select); coding-DNA position 1351, C replaced by A.
Protein change: p.Pro451Thr; replaces proline 451 with threonine.
Molecular consequence: missense variant.
Genome position (GRCh38, 1-based): chr1:36,469,775, G>T on the plus strand (C>A on the coding strand, the complement: CSF3R is on the minus strand). VCF-style: chr1-36469775-G-T. GRCh37 (hg19) VCF-style: chr1-36935376-G-T.
Other names: c.1351C>A, p.Pro451Thr (NM_156039.3, NM_172313.3); short protein forms P451T.
Identifiers: ClinVar variation 3688163 (VCV003688163.2).